The following is an entry in ClinVar:

NM_000081.4(LYST):c.2832_2833del (p.Leu946fs)

Gene: LYST (lysosomal trafficking regulator; minus strand). Cytogenetic location: 1q42.3.
Variant type: Microsatellite.
Coding change: c.2832_2833del on transcript NM_000081.4 (MANE Select); coding-DNA positions 2832 to 2833, 2 bases deleted (AT; older notation c.2832_2833delAT).
Protein change: p.Leu946fs; shifts the reading frame from leucine 946.
Molecular consequence: frameshift variant.
Genome position (GRCh38, 1-based): chr1:235,806,303-235,806,304, AT deleted on the plus strand (AT on the coding strand, the reverse complement: LYST is on the minus strand); deleting any 2 consecutive bases within chr1:235,806,303-235,806,307 gives the same sequence; the c. name uses the placement nearest the transcript's 3' end. VCF-style (leftmost placement, unchanged base first): chr1-235806302-GAT-G. GRCh37 (hg19) VCF-style: chr1-235969602-GAT-G.
Other names: c.2832_2833del, p.Leu946fs (NM_001301365.1); short protein forms L946fs.
Identifiers: ClinVar variation 3661792 (VCV003661792.2).
Genomic context (GRCh38, chr1:235,806,302, plus strand): 5'-GACCAAATGTCTGCTGCTTGGTGCATATGTTCAGGAGAAGGCAAGACAAGGCTCTCGAGA[GAT>G]ATACATGGCAGCATATGACTTAAAGGCTCGCTGGCTGTGCTGTCATAGCCAGAAGTATCT-3'

ClinVar aggregate classification (germline): Pathogenic (1 of 4 stars; one submission).

Conditions:
Chédiak-Higashi syndrome (CHS). Also called: Chediak-Higashi Syndrome. Identifiers: Orphanet 167, MedGen C0007965, MONDO:0008963, OMIM 214500.

Submission:

Labcorp Genetics (formerly Invitae), Labcorp
Classification: Pathogenic for Chédiak-Higashi syndrome. Last evaluated: 2024-08-19. Review status: criteria provided, single submitter. Criteria: Invitae Variant Classification Sherloc (09022015). Collection method: clinical testing. Allele origin: germline.
Comment: This sequence change creates a premature translational stop signal (p.Leu946Argfs*9) in the LYST gene. It is expected to result in an absent or disrupted protein product. Loss-of-function variants in LYST are known to be pathogenic (PMID: 9215679, 11857544). This variant is not present in population databases (gnomAD no frequency). This variant has not been reported in the literature in individuals affected with LYST-related conditions. For these reasons, this variant has been classified as Pathogenic.

Literature cited by the submitters: PubMed 9215679; PubMed 11857544.